The following is an entry in ClinVar:

ClinVar aggregate classification (germline): Pathogenic (1 of 4 stars; one submission).

Conditions:
Finnish congenital nephrotic syndrome (NPHS1). Also called: NEPHROTIC SYNDROME, TYPE 1. Identifiers: Orphanet 839, MedGen C0403399, MONDO:0009732, OMIM 256300.

Submission:

Myriad Genetics, Inc.
Classification: Pathogenic for Finnish congenital nephrotic syndrome. Last evaluated: 2023-09-27. Review status: criteria provided, single submitter. Criteria: Myriad Autosomal Dominant, Autosomal Recessive and X-Linked Classification Criteria (2023). Collection method: clinical testing. Allele origin: unknown.
Comment: NM_004646.3(NPHS1):c.253dupC(L85Pfs*7) is expected to be pathogenic in the context of nephrotic syndrome, NPHS1-related. This variant is predicted to lead to an abnormal or absent protein product due to the creation of a premature termination codon in NPHS1, a gene where loss-of-function variants are known to be pathogenic. Please note: this variant was assessed in the context of healthy population screening.

NM_004646.4(NPHS1):c.253dup (p.Leu85fs)

Genes: KIRREL2 (kirre like nephrin family adhesion molecule 2; plus strand), NPHS1 (NPHS1 adhesion molecule, nephrin; minus strand). Cytogenetic location: 19q13.12.
Variant type: Duplication.
Coding change: c.253dup on transcript NM_004646.4 (MANE Select); coding-DNA position 253, one base duplicated (C; older notation c.253dupC).
Protein change: p.Leu85fs; shifts the reading frame from leucine 85.
Molecular consequence: frameshift variant.
Genome position (GRCh38, 1-based): chr19:35,851,478, G duplicated on the plus strand (C on the coding strand, the reverse complement: NPHS1 is on the minus strand); the first of 2 consecutive G bases (chr19:35,851,478-35,851,479); duplicating either gives the same sequence. VCF-style (leftmost placement, unchanged base first): chr19-35851477-A-AG. GRCh37 (hg19) VCF-style: chr19-36342379-A-AG.
Other names: short protein forms L85fs.
Identifiers: ClinVar variation 5011875 (VCV005011875.1).
Genomic context (GRCh38, chr19:35,851,477, plus strand): 5'-TTCCGCTGGTGGCTGAGGGTCTCAGGCTCTGATCCCTTACCTCTAGCAGGGTCCCCTTCC[A>AG]GGCGGTACCTCGGGAAGCCTGGGATCCTGGGGTCGGGGCCCAGGAGCAGCCCATCTTTGG-3'